The following is an entry in ClinVar:

ClinVar aggregate classification (germline): Uncertain significance (1 of 4 stars; one submission).

Conditions:
Tuberous sclerosis 2 (TSC2). Identifiers: Orphanet 805, MedGen C1860707, MONDO:0013199, OMIM 613254.

gnomAD v4.1: 1 of 1,612,974 alleles (0.000062%); highest among the groups gnomAD compares: Non-Finnish European, 0.000085%; no homozygotes.

Submission:

Labcorp Genetics (formerly Invitae), Labcorp
Classification: Uncertain significance for Tuberous sclerosis 2. Last evaluated: 2021-06-30. Review status: criteria provided, single submitter. Criteria: Invitae Variant Classification Sherloc (09022015). Collection method: clinical testing. Allele origin: germline.
Comment: This variant has not been reported in the literature in individuals affected with TSC2-related conditions. Advanced modeling of protein sequence and biophysical properties (such as structural, functional, and spatial information, amino acid conservation, physicochemical variation, residue mobility, and thermodynamic stability) performed at Invitae indicates that this missense variant is not expected to disrupt TSC2 protein function. In summary, the available evidence is currently insufficient to determine the role of this variant in disease. Therefore, it has been classified as a Variant of Uncertain Significance. This variant is not present in population databases (ExAC no frequency). This sequence change replaces alanine with serine at codon 1031 of the TSC2 protein (p.Ala1031Ser). The alanine residue is highly conserved and there is a moderate physicochemical difference between alanine and serine.

NM_000548.5(TSC2):c.3091G>T (p.Ala1031Ser)

Gene: TSC2 (TSC complex subunit 2; plus strand). Cytogenetic location: 16p13.3.
Variant type: single nucleotide variant.
Coding change: c.3091G>T on transcript NM_000548.5 (MANE Select); coding-DNA position 3091, G replaced by T.
Protein change: p.Ala1031Ser; replaces alanine 1031 with serine.
Molecular consequence: missense variant.
Genome position (GRCh38, 1-based): chr16:2,079,156, G>T. VCF-style: chr16-2079156-G-T. GRCh37 (hg19) VCF-style: chr16-2129157-G-T.
Other names: c.2959G>T, p.Ala987Ser (NM_001077183.3, NM_001370404.1); c.3091G>T, p.Ala1031Ser (NM_001114382.3); c.2851G>T, p.Ala951Ser (NM_001318827.2); c.2815G>T, p.Ala939Ser (NM_001318829.2); c.2359G>T, p.Ala787Ser (NM_001318831.2); c.2992G>T, p.Ala998Ser (NM_001318832.2); c.2962G>T, p.Ala988Ser (NM_001363528.2, NM_001370405.1, NM_021055.3); short protein forms A1031S, A951S, A998S, A787S, A939S, A987S, A988S.
Identifiers: ClinVar variation 1436066 (VCV001436066.8), dbSNP rs2151433921, ClinGen allele CA394284681.